The following is an entry in ClinVar:

ClinVar aggregate classification (germline): Uncertain significance. Review status: criteria provided, multiple submitters, no conflicts (2 of 4 stars). 2 submissions from 2 submitters: Uncertain significance (2). Last evaluated 2025-07-15.

Conditions:
Inborn genetic diseases. Identifiers: MedGen C0950123, MeSH D030342.
Cowden syndrome (CS). Also called: Cowden's disease; Cowden's syndrome; Cowden disease. Identifiers: Orphanet 201, MedGen C0018553, MONDO:0016063. Disease mechanism: gain of function.

Submissions (2):

Ambry Genetics
Classification: Uncertain significance for Inborn genetic diseases. Last evaluated: 2025-07-15. Review status: criteria provided, single submitter. Criteria: Ambry Variant Classification Scheme 2023. Collection method: clinical testing. Allele origin: germline.

Labcorp Genetics (formerly Invitae), Labcorp
Classification: Uncertain significance for Cowden syndrome. Last evaluated: 2022-08-01. Review status: criteria provided, single submitter. Criteria: Invitae Variant Classification Sherloc (09022015). Collection method: clinical testing. Allele origin: germline.
Comment: In summary, the available evidence is currently insufficient to determine the role of this variant in disease. Therefore, it has been classified as a Variant of Uncertain Significance. Algorithms developed to predict the effect of missense changes on protein structure and function (SIFT, PolyPhen-2, Align-GVGD) all suggest that this variant is likely to be disruptive. This variant has not been reported in the literature in individuals affected with PIK3CA-related conditions. This variant is not present in population databases (gnomAD no frequency). This sequence change replaces leucine, which is neutral and non-polar, with serine, which is neutral and polar, at codon 961 of the PIK3CA protein (p.Leu961Ser).

NM_006218.4(PIK3CA):c.2882T>C (p.Leu961Ser)

Gene: PIK3CA (phosphatidylinositol-4,5-bisphosphate 3-kinase catalytic subunit alpha; plus strand). Cytogenetic location: 3q26.32.
Variant type: single nucleotide variant.
Coding change: c.2882T>C on transcript NM_006218.4 (MANE Select); coding-DNA position 2882, T replaced by C.
Protein change: p.Leu961Ser; replaces leucine 961 with serine.
Molecular consequence: missense variant.
Genome position (GRCh38, 1-based): chr3:179,230,322, T>C. VCF-style: chr3-179230322-T-C. GRCh37 (hg19) VCF-style: chr3-178948110-T-C.
Other names: short protein forms L961S.
Identifiers: ClinVar variation 1956191 (VCV001956191.7), dbSNP rs2108425176, ClinGen allele CA355281670.